The following is an entry in ClinVar:

ClinVar aggregate classification (germline): Uncertain significance. Review status: criteria provided, multiple submitters, no conflicts (2 of 4 stars). 3 submissions from 3 submitters: Uncertain significance (2). 1 of the submissions does not count toward it. Last evaluated 2025-08-11.

Conditions:
Intellectual disability, X-linked, with or without seizures, ARX-related. Also called: MENTAL RETARDATION, X-LINKED 29; MENTAL RETARDATION, X-LINKED 32; MENTAL RETARDATION, X-LINKED 33; MENTAL RETARDATION, X-LINKED 38; MENTAL RETARDATION, X-LINKED 43; MENTAL RETARDATION, X-LINKED 76. Identifiers: Orphanet 777, MedGen C0796244, MONDO:0010317, OMIM 300419.
Developmental and epileptic encephalopathy, 1 (DEE1). Also called: INFANTILE SPASM SYNDROME, X-LINKED 1; X-linked infantile spasms; West's syndrome; Tonic spasms with clustering, arrest of psychomotor development and hypsarrhythmia on EEG; X-Linked Infantile Spasm Syndrome; OHTAHARA SYNDROME, X-LINKED. Identifiers: MedGen C3463992, MONDO:0010632, OMIM 308350. Disease mechanism: loss of function.
ARX-related disorder. Also called: ARX-related condition; ARX-Related Disorders. Identifiers: MedGen CN378769.

gnomAD v4.1: 55 of 1,147,049 alleles (0.0048%); highest among the groups gnomAD compares: Non-Finnish European, 0.0061%; no homozygotes.

Submissions (3):

Labcorp Genetics (formerly Invitae), Labcorp
Classification: Uncertain significance for Developmental and epileptic encephalopathy, 1; Intellectual disability, X-linked, with or without seizures, ARX-related. Last evaluated: 2025-08-11. Review status: criteria provided, single submitter. Criteria: Invitae Variant Classification Sherloc (09022015). Collection method: clinical testing. Allele origin: germline.
Comment: This sequence change replaces alanine, which is neutral and non-polar, with proline, which is neutral and non-polar, at codon 499 of the ARX protein (p.Ala499Pro). This variant is not present in population databases (gnomAD no frequency). This missense change has been observed in individual(s) with clinical features of ARX-related conditions (internal data). ClinVar contains an entry for this variant (Variation ID: 1427413). Invitae Evidence Modeling of protein sequence and biophysical properties (such as structural, functional, and spatial information, amino acid conservation, physicochemical variation, residue mobility, and thermodynamic stability) indicates that this missense variant is not expected to disrupt ARX protein function with a negative predictive value of 80%. In summary, the available evidence is currently insufficient to determine the role of this variant in disease. Therefore, it has been classified as a Variant of Uncertain Significance.

GeneDx
Classification: Uncertain significance. Last evaluated: 2023-04-14. Review status: criteria provided, single submitter. Criteria: GeneDx Variant Classification Process June 2021. Collection method: clinical testing. Allele origin: germline. Affected: yes.
Comment: Not observed at significant frequency in large population cohorts (gnomAD); In silico analysis supports that this missense variant does not alter protein structure/function; Has not been previously published as pathogenic or benign to our knowledge

PreventionGenetics, part of Exact Sciences
Classification: Uncertain significance for ARX-related condition. Last evaluated: 2024-01-04. Review status: no assertion criteria provided. Collection method: clinical testing. Allele origin: germline. Not counted in ClinVar's aggregate classification.
Comment: The ARX c.1495G>C variant is predicted to result in the amino acid substitution p.Ala499Pro. To our knowledge, this variant has not been reported in the literature or in a large population database, indicating this variant is rare. At this time, the clinical significance of this variant is uncertain due to the absence of conclusive functional and genetic evidence.

NM_139058.3(ARX):c.1495G>C (p.Ala499Pro)

Gene: ARX (aristaless related homeobox; minus strand). Cytogenetic location: Xp21.3.
Variant type: single nucleotide variant.
Coding change: c.1495G>C on transcript NM_139058.3 (MANE Select); coding-DNA position 1495, G replaced by C.
Protein change: p.Ala499Pro; replaces alanine 499 with proline.
Molecular consequence: missense variant.
Genome position (GRCh38, 1-based): chrX:25,004,864, C>G on the plus strand (G>C on the coding strand, the complement: ARX is on the minus strand). VCF-style: chrX-25004864-C-G. GRCh37 (hg19) VCF-style: chrX-25022981-C-G.
Other names: c.1495G>C (NM_139058.2); short protein forms A499P.
Identifiers: ClinVar variation 1427413 (VCV001427413.8), dbSNP rs2147318769, ClinGen allele CA412610890.